The following is an entry in ClinVar:

ClinVar aggregate classification (germline): Uncertain significance. Review status: criteria provided, multiple submitters, no conflicts (2 of 4 stars). 4 submissions from 4 submitters: Uncertain significance (4). Last evaluated 2024-08-28.

Conditions:
Cardiovascular phenotype. Identifiers: MedGen CN230736.
Cardiac arrhythmia, ankyrin-B-related. Also called: ANKYRIN-B SYNDROME. Identifiers: Orphanet 101016, Orphanet 768, MedGen C1970119, MONDO:0010958, OMIM 600919.
Long QT syndrome (LQTS). Identifiers: MedGen C0023976, MeSH D008133, MONDO:0002442. Disease mechanism: loss of function. Inheritance: Various modes of inheritance.

Allele frequency attached by ClinVar (database versions not stated): gnomAD 0.00001; gnomAD exomes 0.00001 and 0.00002; TOPMed 0.00001; ExAC 0.00003.
gnomAD v4.1: 10 of 1,613,142 alleles (0.00062%); highest among the groups gnomAD compares: Non-Finnish European, 0.00085%; no homozygotes.

Submissions (4):

Ambry Genetics
Classification: Uncertain significance for Cardiovascular phenotype. Last evaluated: 2024-08-28. Review status: criteria provided, single submitter. Criteria: Ambry Variant Classification Scheme 2023. Collection method: clinical testing. Allele origin: germline.
Comment: The p.P3521L variant (also known as c.10562C>T), located in coding exon 38 of the ANK2 gene, results from a C to T substitution at nucleotide position 10562. The proline at codon 3521 is replaced by leucine, an amino acid with similar properties. This amino acid position is conserved. In addition, the in silico prediction for this alteration is inconclusive. Based on the available evidence, the clinical significance of this variant remains unclear.

Labcorp Genetics (formerly Invitae), Labcorp
Classification: Uncertain significance for Long QT syndrome. Last evaluated: 2022-06-28. Review status: criteria provided, single submitter. Criteria: Invitae Variant Classification Sherloc (09022015). Collection method: clinical testing. Allele origin: germline.
Comment: This sequence change replaces proline, which is neutral and non-polar, with leucine, which is neutral and non-polar, at codon 3521 of the ANK2 protein (p.Pro3521Leu). This variant is present in population databases (rs766421377, gnomAD 0.005%). This variant has not been reported in the literature in individuals affected with ANK2-related conditions. ClinVar contains an entry for this variant (Variation ID: 809671). Algorithms developed to predict the effect of missense changes on protein structure and function are either unavailable or do not agree on the potential impact of this missense change (SIFT: "Deleterious"; PolyPhen-2: "Possibly Damaging"; Align-GVGD: "Class C0"). In summary, the available evidence is currently insufficient to determine the role of this variant in disease. Therefore, it has been classified as a Variant of Uncertain Significance.

Women's Health and Genetics/Laboratory Corporation of America, LabCorp
Classification: Uncertain significance. Last evaluated: 2022-04-05. Review status: criteria provided, single submitter. Criteria: LabCorp Variant Classification Summary - May 2015. Collection method: clinical testing. Allele origin: germline.

Fulgent Genetics
Classification: Uncertain significance for Cardiac arrhythmia, ankyrin-B-related. Last evaluated: 2021-10-08. Review status: criteria provided, single submitter. Criteria: ACMG Guidelines, 2015. Collection method: clinical testing. Allele origin: unknown.

NM_001148.6(ANK2):c.10562C>T (p.Pro3521Leu)

Gene: ANK2 (ankyrin 2; plus strand). Cytogenetic location: 4q26.
Variant type: single nucleotide variant.
Coding change: c.10562C>T on transcript NM_001148.6 (MANE Select); coding-DNA position 10562, C replaced by T.
Protein change: p.Pro3521Leu; replaces proline 3521 with leucine.
Molecular consequence: missense variant. On other transcripts: intron variant (68).
Genome position (GRCh38, 1-based): chr4:113,359,180, C>T. VCF-style: chr4-113359180-C-T. GRCh37 (hg19) VCF-style: chr4-114280336-C-T.
Other names: c.10328C>T, p.Pro3443Leu (NM_001386142.1); c.6962C>T, p.Pro2321Leu (NM_001386166.1); c.10703C>T, p.Pro3568Leu (NM_001386174.1); c.10679C>T, p.Pro3560Leu (NM_001386175.1); c.4412-1643C>T (NM_001386186.2, NM_001386148.2); c.4214-1643C>T (NM_001354269.3); c.4292-1643C>T (NM_001386187.2); c.4253-1643C>T (NM_001386147.1); and 35 more; short protein forms P3521L, P2321L, P3443L, P3560L, P3568L.
Identifiers: ClinVar variation 809671 (VCV000809671.19), dbSNP rs766421377, ClinGen allele CA3052086.